The following is an entry in ClinVar:

ClinVar aggregate classification (germline): Uncertain significance. Review status: criteria provided, multiple submitters, no conflicts (2 of 4 stars). 4 submissions from 4 submitters: Uncertain significance (3). 1 of the submissions does not count toward it. Last evaluated 2024-09-21.

Conditions:
Familial cancer of breast. Also called: Hereditary breast cancer; BREAST CANCER, FAMILIAL; hereditary breast carcinoma. Identifiers: Orphanet 227535, MedGen C0346153, MONDO:0016419, OMIM 114480. Disease mechanism: loss of function.
ATM-related cancer predisposition. Also called: ATM-related cancer susceptibility. Identifiers: MedGen CN377759, MONDO:0700270.
Hereditary cancer-predisposing syndrome. Also called: Tumor predisposition; Hereditary neoplastic syndrome; Neoplastic Syndromes, Hereditary; Hereditary Cancer Syndrome. Identifiers: Orphanet 140162, MedGen C0027672, MeSH D009386, MONDO:0015356.
Ataxia-telangiectasia syndrome (AT). Also called: Ataxia-telangiectasia, complementation group D; AT, COMPLEMENTATION GROUP C; ATAXIA-TELANGIECTASIA, COMPLEMENTATION GROUP A; ATAXIA-TELANGIECTASIA, FRESNO VARIANT; Ataxia-telangiectasia; LOUIS-BAR SYNDROME. Identifiers: Orphanet 100, MedGen C0004135, MONDO:0008840, OMIM 208900.

Submissions (4):

Ambry Genetics
Classification: Uncertain significance for Hereditary cancer-predisposing syndrome. Last evaluated: 2024-09-21. Review status: criteria provided, single submitter. Criteria: Ambry Variant Classification Scheme 2023. Collection method: clinical testing. Allele origin: germline.
Comment: The p.N2501K variant (also known as c.7503T>A), located in coding exon 49 of the ATM gene, results from a T to A substitution at nucleotide position 7503. The asparagine at codon 2501 is replaced by lysine, an amino acid with similar properties. This variant has been reported in multiple individuals with features consistent with ATM-related tumor predisposition (Moradian MM et al. Hum Genome Var, 2021 Feb;8:9; Kraus C et al. Int J Cancer, 2017 Jan;140:95-102). This amino acid position is highly conserved in available vertebrate species. In addition, the in silico prediction for this alteration is inconclusive. Based on the available evidence, the clinical significance of this variant remains unclear.

Labcorp Genetics (formerly Invitae), Labcorp
Classification: Uncertain significance for Ataxia-telangiectasia syndrome. Last evaluated: 2022-08-09. Review status: criteria provided, single submitter. Criteria: Invitae Variant Classification Sherloc (09022015). Collection method: clinical testing. Allele origin: germline.
Comment: This sequence change replaces asparagine, which is neutral and polar, with lysine, which is basic and polar, at codon 2501 of the ATM protein (p.Asn2501Lys). This variant is not present in population databases (gnomAD no frequency). This missense change has been observed in individual(s) with ovarian cancer (PMID: 27616075, 33558524). ClinVar contains an entry for this variant (Variation ID: 689657). Advanced modeling of protein sequence and biophysical properties (such as structural, functional, and spatial information, amino acid conservation, physicochemical variation, residue mobility, and thermodynamic stability) performed at Invitae indicates that this missense variant is expected to disrupt ATM protein function. In summary, the available evidence is currently insufficient to determine the role of this variant in disease. Therefore, it has been classified as a Variant of Uncertain Significance.

Department of Pathology and Laboratory Medicine, Sinai Health System
Classification: Uncertain significance for ATM-related cancer predisposition. Last evaluated: 2021-06-01. Review status: criteria provided, single submitter. Criteria: ACMG Guidelines, 2015. Collection method: clinical testing. Allele origin: germline. Affected: yes.

Center of Medical Genetics and Primary Health Care
Classification: Uncertain significance for Hereditary breast cancer. Last evaluated: 2020-05-01. Review status: no assertion criteria provided. Collection method: research. Allele origin: germline. Affected: yes. Observed: 1 heterozygote. Not counted in ClinVar's aggregate classification.
Comment: The ATM variant p.Asn2501Lys is in exon 50 of the ATM gene, which is involved in a double-strand break-repair pathway. The variant is in the functional domain of the ATM gene, called FAT domain (I1960-2566A aa) and in a mutation hotspot of 192 pathogenic variants (PM1 Pathogenic Moderate). This domain functions as a structural scaffold in an autophosphorylation site or as a protein-binding domain, possibly having a role in substrate interaction. This variant is not found in GnomAD exomes neither in GnomAD genomes (PM2 Pathogenic Moderate). 8 pathogenic predictions from DANN, FATHMM-MKL, M-CAP, MVP, MutationAssessor, MutationTaster, REVEL and SIFT versus 3 benign predictions from DEOGEN2, EIGEN and PrimateAI support its deleterious effect (PP3 Pathogenic Supporting). HGMD lists one publication for ovarian cancer where it is listed as a VUS (PMID: 27616075). Therefore, based on the above evidence this variant is classified as a Variant of Uncertain Significance.

Literature cited by the submitters: PubMed 27616075 (cited by Ambry Genetics and Labcorp Genetics (formerly Invitae), Labcorp); PubMed 33558524 (cited by Ambry Genetics and Labcorp Genetics (formerly Invitae), Labcorp).

NM_000051.4(ATM):c.7503T>A (p.Asn2501Lys)

Genes: ATM (ATM serine/threonine kinase; plus strand), C11orf65 (chromosome 11 open reading frame 65; minus strand). Cytogenetic location: 11q22.3.
Variant type: single nucleotide variant.
Coding change: c.7503T>A on transcript NM_000051.4 (MANE Select); coding-DNA position 7503, T replaced by A.
Protein change: p.Asn2501Lys; replaces asparagine 2501 with lysine.
Molecular consequence: missense variant. On other transcripts: intron variant (2).
Genome position (GRCh38, 1-based): chr11:108,330,409, T>A. VCF-style: chr11-108330409-T-A. GRCh37 (hg19) VCF-style: chr11-108201136-T-A.
Other names: c.7503T>A, p.Asn2501Lys (NM_001351834.2); c.641-21338A>T (NM_001330368.2); c.*38+4811A>T (NM_001351110.2); short protein forms N2501K.
Identifiers: ClinVar variation 689657 (VCV000689657.11), dbSNP rs1591161664, ClinGen allele CA382560580.